The following is an entry in ClinVar:

NM_000051.4(ATM):c.198A>T (p.Lys66Asn)

Gene: ATM (ATM serine/threonine kinase; plus strand). Cytogenetic location: 11q22.3.
Variant type: single nucleotide variant.
Coding change: c.198A>T on transcript NM_000051.4 (MANE Select); coding-DNA position 198, A replaced by T.
Protein change: p.Lys66Asn; replaces lysine 66 with asparagine.
Molecular consequence: missense variant.
Genome position (GRCh38, 1-based): chr11:108,229,190, A>T. VCF-style: chr11-108229190-A-T. GRCh37 (hg19) VCF-style: chr11-108099917-A-T.
Other names: c.198A>T, p.Lys66Asn (NM_001351834.2, NM_001351835.2, NM_001351836.2); short protein forms K66N.
Identifiers: ClinVar variation 820455 (VCV000820455.8), dbSNP rs540920248, ClinGen allele CA382521231.

ClinVar aggregate classification (germline): Conflicting classifications of pathogenicity. Review status: criteria provided, conflicting classifications (1 of 4 stars). 3 submissions from 3 submitters: Uncertain significance (2); Likely benign (1). Last evaluated 2025-07-18.

Conditions:
Hereditary cancer-predisposing syndrome. Also called: Hereditary Cancer Syndrome; Neoplastic Syndromes, Hereditary; Hereditary neoplastic syndrome; Tumor predisposition. Identifiers: Orphanet 140162, MedGen C0027672, MeSH D009386, MONDO:0015356.
Ataxia-telangiectasia syndrome (AT). Also called: Cerebello-oculocutaneous telangiectasia; Immunodeficiency with ataxia telangiectasia; Ataxia-telangiectasia, complementation group E; Ataxia-telangiectasia, complementation group D; AT, COMPLEMENTATION GROUP C; ATAXIA-TELANGIECTASIA, COMPLEMENTATION GROUP A. Identifiers: Orphanet 100, MedGen C0004135, MONDO:0008840, OMIM 208900.
Familial cancer of breast. Also called: Hereditary breast cancer; hereditary breast carcinoma; BREAST CANCER, FAMILIAL. Identifiers: Orphanet 227535, MedGen C0346153, MONDO:0016419, OMIM 114480. Disease mechanism: loss of function.

Submissions (3):

Ambry Genetics
Classification: Likely benign for Hereditary cancer-predisposing syndrome. Last evaluated: 2025-07-18. Review status: criteria provided, single submitter. Criteria: Ambry Variant Classification Scheme 2023. Collection method: clinical testing. Allele origin: germline.

Baylor Genetics
Classification: Uncertain significance for Familial cancer of breast. Last evaluated: 2023-11-14. Review status: criteria provided, single submitter. Criteria: ACMG Guidelines, 2015. Collection method: clinical testing. Allele origin: unknown.

Labcorp Genetics (formerly Invitae), Labcorp
Classification: Uncertain significance for Ataxia-telangiectasia syndrome. Last evaluated: 2021-09-07. Review status: criteria provided, single submitter. Criteria: Invitae Variant Classification Sherloc (09022015). Collection method: clinical testing. Allele origin: germline.
Comment: This sequence change replaces lysine with asparagine at codon 66 of the ATM protein (p.Lys66Asn). The lysine residue is moderately conserved and there is a moderate physicochemical difference between lysine and asparagine. This variant is not present in population databases (ExAC no frequency). This variant has not been reported in the literature in individuals affected with ATM-related conditions. ClinVar contains an entry for this variant (Variation ID: 820455). Algorithms developed to predict the effect of missense changes on protein structure and function output the following: SIFT: "Tolerated"; PolyPhen-2: "Benign"; Align-GVGD: "Class C0". The asparagine amino acid residue is found in multiple mammalian species, which suggests that this missense change does not adversely affect protein function. In summary, the available evidence is currently insufficient to determine the role of this variant in disease. Therefore, it has been classified as a Variant of Uncertain Significance.